The following is an entry in ClinVar:

ClinVar aggregate classification (germline): Benign. Review status: criteria provided, multiple submitters, no conflicts (2 of 4 stars). 5 submissions from 5 submitters: Benign (4). 1 of the submissions does not count toward it. Last evaluated 2026-01-28.

Conditions:
DNAH9-related disorder. Also called: DNAH9-related condition.

Allele frequency attached by ClinVar (database versions not stated): gnomAD exomes 0.00284 and 0.00648; ExAC 0.00779; ESP Exome Variant Server 0.02430; gnomAD 0.02464 and 0.02642; TOPMed 0.02744; 1000 Genomes Project 0.02855; 1000 Genomes Project 30x 0.02920.
gnomAD v4.1: 8,078 of 1,613,732 alleles (0.5%); highest among the groups gnomAD compares: African/African-American, 8.6%; 320 homozygotes.

Submissions (5):

Labcorp Genetics (formerly Invitae), Labcorp
Classification: Benign. Last evaluated: 2026-01-28. Review status: criteria provided, single submitter. Criteria: Invitae Variant Classification Sherloc (09022015). Collection method: clinical testing. Allele origin: germline.

Mayo Clinic Laboratories, Mayo Clinic
Classification: Benign. Last evaluated: 2023-04-21. Review status: criteria provided, single submitter. Criteria: ACMG Guidelines, 2015. Collection method: clinical testing. Allele origin: germline. Observed: 5 variant alleles.

GeneDx
Classification: Benign. Last evaluated: 2021-05-04. Review status: criteria provided, single submitter. Criteria: GeneDx Variant Classification Process June 2021. Collection method: clinical testing. Allele origin: germline. Affected: yes.

Breakthrough Genomics
Classification: Benign. Review status: criteria provided, single submitter. Criteria: ACMG Guidelines, 2015. Collection method: not provided. Allele origin: germline. Inheritance: Autosomal recessive inheritance. Affected: yes.

PreventionGenetics, part of Exact Sciences
Classification: Benign for DNAH9-related condition. Last evaluated: 2020-02-24. Review status: no assertion criteria provided. Collection method: clinical testing. Allele origin: germline. Not counted in ClinVar's aggregate classification.
Comment: This variant is classified as benign based on ACMG/AMP sequence variant interpretation guidelines (Richards et al. 2015 PMID: 25741868, with internal and published modifications).

NM_001372.4(DNAH9):c.2969G>A (p.Arg990His)

Genes: DNAH9 (dynein axonemal heavy chain 9; plus strand), LOC126862505 (BRD4-independent group 4 enhancer GRCh37_chr17:11572478-11573677; plus strand). Cytogenetic location: 17p12.
Variant type: single nucleotide variant.
Coding change: c.2969G>A on transcript NM_001372.4 (MANE Select); coding-DNA position 2969, G replaced by A.
Protein change: p.Arg990His; replaces arginine 990 with histidine.
Molecular consequence: missense variant.
Genome position (GRCh38, 1-based): chr17:11,669,410, G>A. VCF-style: chr17-11669410-G-A. GRCh37 (hg19) VCF-style: chr17-11572727-G-A.
Other names: p.Arg990His; short protein forms R990H.
Identifiers: ClinVar variation 780399 (VCV000780399.15), dbSNP rs61745415, ClinGen allele CA8395335.
Genomic context (GRCh38, chr17:11,669,410, plus strand): 5'-CCGTTGTCTCGCTTCCCCAGGTCGACCTGGACGGTATACCAGATTTGGCAAACATGCGGC[G>A]CACACTCATGGAGAGAGTCCAGAGAATGATGGGCCTCTGCTGTGGCTATCAGAGCACCTT-3'
Protein context (NP_001363.2, residues 980-1000): DGIPDLANMR[Arg990His]TLMERVQRMM